The following is an entry in ClinVar:

NM_000784.4(CYP27A1):c.995T>G (p.Leu332Arg)

Gene: CYP27A1 (cytochrome P450 family 27 subfamily A member 1; plus strand). Cytogenetic location: 2q35.
Variant type: single nucleotide variant.
Coding change: c.995T>G on transcript NM_000784.4 (MANE Select); coding-DNA position 995, T replaced by G.
Protein change: p.Leu332Arg; replaces leucine 332 with arginine.
Molecular consequence: missense variant.
Genome position (GRCh38, 1-based): chr2:218,813,074, T>G. VCF-style: chr2-218813074-T-G. GRCh37 (hg19) VCF-style: chr2-219677797-T-G.
Other names: short protein forms L332R.
Identifiers: ClinVar variation 2126103 (VCV002126103.4), dbSNP rs1943741805, ClinGen allele CA350588998.
Genomic context (GRCh38, chr2:218,813,074, plus strand): 5'-ACTTCTTACTGGCCAGTGGACAGCTCAGTCCTCGGGAGGCCATGGGCAGCCTGCCTGAGC[T>G]GCTCATGGCTGGAGTGGACACGGTGCGTGAAGGGGGAGGGTGAGACCAGGGGCCCCCAGC-3'
Protein context (NP_000775.1, residues 322-342): PREAMGSLPE[Leu332Arg]LMAGVDTTSN

ClinVar aggregate classification (germline): Uncertain significance (1 of 4 stars; one submission).

Conditions:
Cholestanol storage disease (CTX). Also called: CEREBRAL CHOLESTERINOSIS; Cerebrotendinous Xanthomatosis; CTX: Cerebrotendinous xanthomatosis. Identifiers: Orphanet 909, MedGen C0238052, MONDO:0008948, OMIM 213700.

Submission:

Labcorp Genetics (formerly Invitae), Labcorp
Classification: Uncertain significance for Cholestanol storage disease. Last evaluated: 2022-08-05. Review status: criteria provided, single submitter. Criteria: Invitae Variant Classification Sherloc (09022015). Collection method: clinical testing. Allele origin: germline.
Comment: This sequence change replaces leucine, which is neutral and non-polar, with arginine, which is basic and polar, at codon 332 of the CYP27A1 protein (p.Leu332Arg). Advanced modeling of protein sequence and biophysical properties (such as structural, functional, and spatial information, amino acid conservation, physicochemical variation, residue mobility, and thermodynamic stability) performed at Invitae indicates that this missense variant is expected to disrupt CYP27A1 protein function. In summary, the available evidence is currently insufficient to determine the role of this variant in disease. Therefore, it has been classified as a Variant of Uncertain Significance. This variant has not been reported in the literature in individuals affected with CYP27A1-related conditions. This variant is not present in population databases (gnomAD no frequency).